The following is an entry in ClinVar:

NM_004999.4(MYO6):c.1477C>G (p.Gln493Glu)

Gene: MYO6 (myosin VI; plus strand). Cytogenetic location: 6q14.1.
Variant type: single nucleotide variant.
Coding change: c.1477C>G on transcript NM_004999.4 (MANE Select); coding-DNA position 1477, C replaced by G.
Protein change: p.Gln493Glu; replaces glutamine 493 with glutamic acid.
Molecular consequence: missense variant. On other transcripts: non-coding transcript variant (1).
Genome position (GRCh38, 1-based): chr6:75,861,026, C>G. VCF-style: chr6-75861026-C-G. GRCh37 (hg19) VCF-style: chr6-76570743-C-G.
Other names: c.1477C>G, p.Gln493Glu (NM_001300899.2, NM_001368136.1, NM_001368137.1 and 2 more transcripts); c.1462C>G, p.Gln488Glu (NM_001368138.1); short protein forms Q488E, Q493E.
Identifiers: ClinVar variation 2541151 (VCV002541151.4), dbSNP rs759114945, ClinGen allele CA364761771.
Genomic context (GRCh38, chr6:75,861,026, plus strand): 5'-AAAATTCACTATTGCTCAGTATTGCTGTATCTATGATTATGATTATTTCATTTTTAGGAA[C>G]AAGAACTCTATCAAAAAGAAGGTTTAGGTGTTAATGAAGTGCATTATGTGGATAATCAGG-3'
Protein context (NP_004990.3, residues 483-503): FFNERILKEE[Gln493Glu]ELYQKEGLGV

ClinVar aggregate classification (germline): Uncertain significance. Review status: criteria provided, multiple submitters, no conflicts (2 of 4 stars). 3 submissions from 3 submitters: Uncertain significance (3). Last evaluated 2025-08-12.

Conditions:
Inborn genetic diseases. Identifiers: MedGen C0950123, MeSH D030342.

gnomAD v4.1: 6 of 1,592,546 alleles (0.00038%); highest among the groups gnomAD compares: East Asian, 0.0045%; no homozygotes.

Submissions (3):

Labcorp Genetics (formerly Invitae), Labcorp
Classification: Uncertain significance. Last evaluated: 2025-08-12. Review status: criteria provided, single submitter. Criteria: Invitae Variant Classification Sherloc (09022015). Collection method: clinical testing. Allele origin: germline.
Comment: This sequence change replaces glutamine, which is neutral and polar, with glutamic acid, which is acidic and polar, at codon 493 of the MYO6 protein (p.Gln493Glu). This variant is not present in population databases (gnomAD no frequency). This variant has not been reported in the literature in individuals affected with MYO6-related conditions. ClinVar contains an entry for this variant (Variation ID: 2541151). Invitae Evidence Modeling of protein sequence and biophysical properties (such as structural, functional, and spatial information, amino acid conservation, physicochemical variation, residue mobility, and thermodynamic stability) has been performed for this missense variant. However, the output from this modeling did not meet the statistical confidence thresholds required to predict the impact of this variant on MYO6 protein function. In summary, the available evidence is currently insufficient to determine the role of this variant in disease. Therefore, it has been classified as a Variant of Uncertain Significance.

GeneDx
Classification: Uncertain significance. Last evaluated: 2024-01-02. Review status: criteria provided, single submitter. Criteria: GeneDx Variant Classification Process June 2021. Collection method: clinical testing. Allele origin: germline. Affected: yes.
Comment: Not observed at significant frequency in large population cohorts (gnomAD); In silico analysis supports that this missense variant has a deleterious effect on protein structure/function; Has not been previously published as pathogenic or benign to our knowledge

Ambry Genetics
Classification: Uncertain significance for Inborn genetic diseases. Last evaluated: 2023-04-26. Review status: criteria provided, single submitter. Criteria: Ambry Variant Classification Scheme 2023. Collection method: clinical testing. Allele origin: germline.